The following is an entry in ClinVar:

NM_001367721.1(CASK):c.825G>A (p.Trp275Ter)

Gene: CASK (calcium/calmodulin dependent serine protein kinase; minus strand). Cytogenetic location: Xp11.4.
Variant type: single nucleotide variant.
Coding change: c.825G>A on transcript NM_001367721.1 (MANE Select); coding-DNA position 825, G replaced by A.
Protein change: p.Trp275Ter; replaces tryptophan 275 with a stop codon.
Molecular consequence: nonsense.
Genome position (GRCh38, 1-based): chrX:41,660,445, C>T on the plus strand (G>A on the coding strand, the complement: CASK is on the minus strand). VCF-style: chrX-41660445-C-T. GRCh37 (hg19) VCF-style: chrX-41519698-C-T.
Other names: c.825G>A, p.Trp275Ter (NM_001126054.3, NM_001126055.3, NM_001410745.1 and 1 more transcripts); short protein forms W275*.
Identifiers: ClinVar variation 1692990 (VCV001692990.2), dbSNP rs2147465256, ClinGen allele CA412996344.

ClinVar aggregate classification (germline): Pathogenic (1 of 4 stars; one submission).

Conditions:
Syndromic X-linked intellectual disability Najm type (MICPCH). Also called: MICPCH SYNDROME; Intellectual developmental disorder and microcephaly with pontine and cerebellar hypoplasia; Mental retardation and microcephaly with pontine and cerebellar hypoplasia; MENTAL RETARDATION, X-LINKED, SYNDROMIC, NAJM TYPE; Intellectual Disability and Microcephaly with Pontine and Cerebellar Hypoplasia (MICPCH); Intellectual Disability and Microcephaly with Pontine and Cerebellar Hypoplasia. Identifiers: Orphanet 163937, MedGen C2677903, MONDO:0010417, OMIM 300749.

Submission:

Laboratory of Human Genetics, Universidade de São Paulo
Classification: Pathogenic for Syndromic X-linked intellectual disability Najm type. Last evaluated: 2022-06-27. Review status: criteria provided, single submitter. Criteria: ACMG Guidelines, 2015. Collection method: research. Allele origin: de novo. Affected: yes. Observed: 1 hemizygote.
Comment: This variant meets our criteria to be classified as pathogenic based upon segregation studies, absence from controls, and in-silico evaluation of pathogenicity.